The following is an entry in ClinVar:

NM_020975.6(RET):c.1063+10G>A

Gene: RET (ret proto-oncogene; plus strand). Cytogenetic location: 10q11.21.
Variant type: single nucleotide variant.
Coding change: c.1063+10G>A on transcript NM_020975.6 (MANE Select); 10 bases into the intron after coding-DNA position 1063, G replaced by A.
Molecular consequence: intron variant.
Genome position (GRCh38, 1-based): chr10:43,106,581, G>A. VCF-style: chr10-43106581-G-A. GRCh37 (hg19) VCF-style: chr10-43602029-G-A.
Other names: c.1063+10G>A (NM_020630.7, NM_001406743.1, NM_001406744.1 and 4 more transcripts); c.867+1388G>A (NM_001406772.1, NM_001406769.1); c.626-2450G>A (NM_001406773.1, NM_001406771.1); c.625+3952G>A (NM_001406782.1, NM_001406780.1, NM_001406779.1 and 3 more transcripts); c.934+10G>A (NM_001406764.1, NM_001406762.1, NM_001406761.1 and 1 more transcripts); c.738+1388G>A (NM_001406774.1); c.496+3952G>A (NM_001406786.1, NM_001406783.1); c.775+10G>A (NM_001406770.1, NM_001406766.1, NM_001406767.1); and 5 more.
Identifiers: ClinVar variation 703720 (VCV000703720.18), dbSNP rs374666249, ClinGen allele CA030949.

ClinVar aggregate classification (germline): Likely benign. Review status: criteria provided, multiple submitters, no conflicts (2 of 4 stars). 2 submissions from 2 submitters: Likely benign (2). Last evaluated 2025-03-09.

Conditions:
Multiple endocrine neoplasia type 2A. Also called: MULTIPLE ENDOCRINE NEOPLASIA, TYPE IIA; PTC SYNDROME; SIPPLE SYNDROME; MEN 2A; MEN-2A syndrome; Pheochromocytoma and amyloid producing medullary thyroid carcinoma. Identifiers: Orphanet 247698, Orphanet 653, MedGen C0025268, MeSH D018813, MONDO:0008234, OMIM 171400.
Multiple endocrine neoplasia, type 2 (MEN2). Identifiers: Orphanet 653, MedGen C4048306, MONDO:0019003. Disease mechanism: gain of function.

Allele frequency attached by ClinVar (database versions not stated): gnomAD exomes below 0.00001; ExAC 0.00001; gnomAD 0.00001; TOPMed 0.00004; ESP Exome Variant Server 0.00008.
gnomAD v4.1: 6 of 1,612,630 alleles (0.00037%); highest among the groups gnomAD compares: African/African-American, 0.0067%; no homozygotes.

Submissions (2):

Labcorp Genetics (formerly Invitae), Labcorp
Classification: Likely benign for Multiple endocrine neoplasia, type 2. Last evaluated: 2025-03-09. Review status: criteria provided, single submitter. Criteria: Invitae Variant Classification Sherloc (09022015). Collection method: clinical testing. Allele origin: germline.

Myriad Genetics, Inc.
Classification: Likely benign for Multiple endocrine neoplasia type 2A. Last evaluated: 2025-02-25. Review status: criteria provided, single submitter. Criteria: Myriad Autosomal Dominant, Autosomal Recessive and X-Linked Classification Criteria (2023). Collection method: clinical testing. Allele origin: unknown.
Comment: This variant is considered likely benign. This variant is intronic and is not expected to impact mRNA splicing.